The following is an entry in ClinVar:

ClinVar aggregate classification (germline): Uncertain significance (1 of 4 stars; one submission).

Conditions:
Familial thoracic aortic aneurysm and aortic dissection (TAAD). Also called: Thoracic aortic aneurysms and dissections. Identifiers: Orphanet 91387, MedGen C4707243, MONDO:0019625.

Allele frequency attached by ClinVar (database versions not stated): TOPMed below 0.00001; gnomAD 0.00001.
gnomAD v4.1: 1 of 1,612,794 alleles (0.000062%); highest among the groups gnomAD compares: African/African-American, 0.0013%; no homozygotes.

Submission:

Ambry Genetics
Classification: Uncertain significance for Familial thoracic aortic aneurysm and aortic dissection. Last evaluated: 2022-04-09. Review status: criteria provided, single submitter. Criteria: Ambry Variant Classification Scheme 2023. Collection method: clinical testing. Allele origin: germline.
Comment: The p.G2287D variant (also known as c.6860G>A), located in coding exon 34 of the NOTCH1 gene, results from a G to A substitution at nucleotide position 6860. The glycine at codon 2287 is replaced by aspartic acid, an amino acid with similar properties. This amino acid position is conserved. In addition, this alteration is predicted to be tolerated by in silico analysis. Since supporting evidence is limited at this time, the clinical significance of this alteration remains unclear.

NM_017617.5(NOTCH1):c.6860G>A (p.Gly2287Asp)

Gene: NOTCH1 (notch receptor 1; minus strand). Cytogenetic location: 9q34.3.
Variant type: single nucleotide variant.
Coding change: c.6860G>A on transcript NM_017617.5 (MANE Select); coding-DNA position 6860, G replaced by A.
Protein change: p.Gly2287Asp; replaces glycine 2287 with aspartic acid.
Molecular consequence: missense variant.
Genome position (GRCh38, 1-based): chr9:136,496,879, C>T on the plus strand (G>A on the coding strand, the complement: NOTCH1 is on the minus strand). VCF-style: chr9-136496879-C-T. GRCh37 (hg19) VCF-style: chr9-139391331-C-T.
Other names: short protein forms G2287D.
Identifiers: ClinVar variation 1755844 (VCV001755844.2), dbSNP rs1162402352, ClinGen allele CA375630056.